The following is an entry in ClinVar:

ClinVar aggregate classification (germline): Likely pathogenic. Review status: criteria provided, multiple submitters, no conflicts (2 of 4 stars). 2 submissions from 2 submitters: Likely pathogenic (2). Last evaluated 2025-11-12.

Conditions:
Galactosylceramide beta-galactosidase deficiency. Also called: GALACTOCEREBROSIDASE DEFICIENCY; GALC DEFICIENCY; GLOBOID CELL LEUKOENCEPHALOPATHY; Leukodystrophy, Globoid Cell; Krabbe Disease. Identifiers: Orphanet 487, MedGen C0023521, MONDO:0009499, OMIM 245200.

Allele frequency attached by ClinVar (database versions not stated): gnomAD exomes below 0.00001.

Submissions (2):

Natera, Inc.
Classification: Likely pathogenic for Galactosylceramide beta-galactosidase deficiency. Last evaluated: 2025-11-12. Review status: criteria provided, single submitter. Criteria: Natera Variant Classification Schema (03/2026). Collection method: clinical testing. Allele origin: germline.
Comment: The c.329-2A>G variant in GALC is a canonical splice acceptor site variant predicted to affect pre-mRNA splicing, which may result in an abnormal transcript and altered protein product. This variant is expected to result in nonsense mediated decay, truncation, or a dysfunctional protein product. This variant is rare in the general population with a frequency below the threshold expected for the associated phenotype(s). This variant has been observed in one or more individuals affected with the associated recessive disease, as either homozygous or compound heterozygous with a second variant (PMID: 33948933). Given the available evidence, this variant is classified as Likely Pathogenic.

Labcorp Genetics (formerly Invitae), Labcorp
Classification: Likely pathogenic for Galactosylceramide beta-galactosidase deficiency. Last evaluated: 2023-02-10. Review status: criteria provided, single submitter. Criteria: Invitae Variant Classification Sherloc (09022015). Collection method: clinical testing. Allele origin: germline.
Comment: In summary, the currently available evidence indicates that the variant is pathogenic, but additional data are needed to prove that conclusively. Therefore, this variant has been classified as Likely Pathogenic. This sequence change affects an acceptor splice site in intron 3 of the GALC gene. It is expected to disrupt RNA splicing. Variants that disrupt the donor or acceptor splice site typically lead to a loss of protein function (PMID: 16199547), and loss-of-function variants in GALC are known to be pathogenic (PMID: 7437911, 9272171, 16607461). This variant is not present in population databases (gnomAD no frequency). This variant has not been reported in the literature in individuals affected with GALC-related conditions. ClinVar contains an entry for this variant (Variation ID: 1514997). Algorithms developed to predict the effect of sequence changes on RNA splicing suggest that this variant may disrupt the consensus splice site.

Literature cited by the submitters: PubMed 33948933 (cited by Natera, Inc.); PubMed 16199547 (cited by Labcorp Genetics (formerly Invitae), Labcorp); PubMed 7437911 (cited by Labcorp Genetics (formerly Invitae), Labcorp); PubMed 9272171 (cited by Labcorp Genetics (formerly Invitae), Labcorp); PubMed 16607461 (cited by Labcorp Genetics (formerly Invitae), Labcorp).

NM_000153.4(GALC):c.329-2A>G

Gene: GALC (galactosylceramidase; minus strand). Cytogenetic location: 14q31.3.
Variant type: single nucleotide variant.
Coding change: c.329-2A>G on transcript NM_000153.4 (MANE Select); the canonical splice acceptor site of the intron before coding-DNA position 329, A replaced by G.
Molecular consequence: splice acceptor variant.
Genome position (GRCh38, 1-based): chr14:87,986,604, T>C on the plus strand (A>G on the coding strand, the complement: GALC is on the minus strand). VCF-style: chr14-87986604-T-C. GRCh37 (hg19) VCF-style: chr14-88452948-T-C.
Other names: c.251-2A>G (NM_001201402.2); c.260-2A>G (NM_001201401.2); c.329-2A>G (NM_000153.3).
Identifiers: ClinVar variation 1514997 (VCV001514997.9), dbSNP rs2139755114, ClinGen allele CA390752857.